The following is an entry in ClinVar:

NM_006172.4(NPPA):c.448C>T (p.Arg150Trp)

Genes: NPPA (natriuretic peptide A; minus strand), NPPA-AS1 (NPPA antisense RNA 1; plus strand), LOC114827827 (VISTA enhancer hs2123; plus strand). Cytogenetic location: 1p36.22.
Variant type: single nucleotide variant.
Coding change: c.448C>T on transcript NM_006172.4 (MANE Select); coding-DNA position 448, C replaced by T.
Protein change: p.Arg150Trp; replaces arginine 150 with tryptophan.
Molecular consequence: missense variant.
Genome position (GRCh38, 1-based): chr1:11,847,115, G>A on the plus strand (C>T on the coding strand, the complement: NPPA is on the minus strand). VCF-style: chr1-11847115-G-A. GRCh37 (hg19) VCF-style: chr1-11907172-G-A.
Other names: short protein forms R150W.
Identifiers: ClinVar variation 1297505 (VCV001297505.6), dbSNP rs778138090, ClinGen allele CA597003.

ClinVar aggregate classification (germline): Uncertain significance. Review status: criteria provided, single submitter (1 of 4 stars). 3 submissions from 3 submitters: Uncertain significance (1). 2 of the submissions do not count toward it. Last evaluated 2025-05-21.

Conditions:
Atrial fibrillation, familial, 6 (ATFB6). Identifiers: MedGen C2677294, MONDO:0012816, OMIM 612201.

Allele frequency attached by ClinVar (database versions not stated): gnomAD 0.00001; gnomAD exomes 0.00001 and 0.00002; TOPMed 0.00002; ExAC 0.00003.

Submissions (3):

Labcorp Genetics (formerly Invitae), Labcorp
Classification: Uncertain significance for Atrial fibrillation, familial, 6. Last evaluated: 2025-05-21. Review status: criteria provided, single submitter. Criteria: Invitae Variant Classification Sherloc (09022015). Collection method: clinical testing. Allele origin: germline.
Comment: This sequence change replaces arginine, which is basic and polar, with tryptophan, which is neutral and slightly polar, at codon 150 of the NPPA protein (p.Arg150Trp). This variant is present in population databases (rs778138090, gnomAD 0.006%). This variant has not been reported in the literature in individuals affected with NPPA-related conditions. ClinVar contains an entry for this variant (Variation ID: 1297505). An algorithm developed to predict the effect of missense changes on protein structure and function (PolyPhen-2) suggests that this variant is likely to be disruptive. In summary, the available evidence is currently insufficient to determine the role of this variant in disease. Therefore, it has been classified as a Variant of Uncertain Significance.

Diagnostic Laboratory, Department of Genetics, University Medical Center Groningen
Classification: Uncertain significance. Review status: no assertion criteria provided. Collection method: clinical testing. Allele origin: germline. Affected: yes. Study: VKGL Data-share Consensus. Not counted in ClinVar's aggregate classification.

Joint Genome Diagnostic Labs from Nijmegen and Maastricht, Radboudumc and MUMC+
Classification: Uncertain significance. Review status: no assertion criteria provided. Collection method: clinical testing. Allele origin: germline. Affected: yes. Study: VKGL Data-share Consensus. Not counted in ClinVar's aggregate classification.